The following is an entry in ClinVar:

ClinVar aggregate classification (germline): Conflicting classifications of pathogenicity. Review status: criteria provided, conflicting classifications (1 of 4 stars). 2 submissions from 2 submitters: Uncertain significance (1); Likely benign (1). Last evaluated 2024-11-07.

Conditions:
Renal cell carcinoma. Identifiers: Orphanet 217071, MedGen C0007134, MeSH D002292, MONDO:0005086, HP:0005584.
Hereditary cancer-predisposing syndrome. Also called: Hereditary neoplastic syndrome; Tumor predisposition; Neoplastic Syndromes, Hereditary; Hereditary Cancer Syndrome. Identifiers: Orphanet 140162, MedGen C0027672, MeSH D009386, MONDO:0015356.

gnomAD v4.1: 1 of 1,614,012 alleles (0.000062%); no homozygotes.

Submissions (2):

Labcorp Genetics (formerly Invitae), Labcorp
Classification: Uncertain significance for Renal cell carcinoma. Last evaluated: 2024-11-07. Review status: criteria provided, single submitter. Criteria: Invitae Variant Classification Sherloc (09022015). Collection method: clinical testing. Allele origin: germline.
Comment: This sequence change replaces serine, which is neutral and polar, with threonine, which is neutral and polar, at codon 187 of the MET protein (p.Ser187Thr). This variant is not present in population databases (gnomAD no frequency). This variant has not been reported in the literature in individuals affected with MET-related conditions. ClinVar contains an entry for this variant (Variation ID: 953168). Invitae Evidence Modeling of protein sequence and biophysical properties (such as structural, functional, and spatial information, amino acid conservation, physicochemical variation, residue mobility, and thermodynamic stability) indicates that this missense variant is not expected to disrupt MET protein function with a negative predictive value of 80%. In summary, the available evidence is currently insufficient to determine the role of this variant in disease. Therefore, it has been classified as a Variant of Uncertain Significance.

Ambry Genetics
Classification: Likely benign for Hereditary cancer-predisposing syndrome. Last evaluated: 2024-03-06. Review status: criteria provided, single submitter. Criteria: Ambry Variant Classification Scheme 2023. Collection method: clinical testing. Allele origin: germline.

NM_000245.4(MET):c.559T>A (p.Ser187Thr)

Gene: MET (MET proto-oncogene, receptor tyrosine kinase; plus strand). Cytogenetic location: 7q31.2.
Variant type: single nucleotide variant.
Coding change: c.559T>A on transcript NM_000245.4 (MANE Select); coding-DNA position 559, T replaced by A.
Protein change: p.Ser187Thr; replaces serine 187 with threonine.
Molecular consequence: missense variant. On other transcripts: intron variant (1).
Genome position (GRCh38, 1-based): chr7:116,699,643, T>A. VCF-style: chr7-116699643-T-A. GRCh37 (hg19) VCF-style: chr7-116339697-T-A.
Other names: c.559T>A, p.Ser187Thr (NM_001127500.3, NM_001324401.3); c.-91+27066T>A (NM_001324402.2); short protein forms S187T.
Identifiers: ClinVar variation 953168 (VCV000953168.10), dbSNP rs1791489630, ClinGen allele CA368969342.